The following is an entry in ClinVar:

NM_005458.8(GABBR2):c.2119G>A (p.Ala707Thr)

Gene: GABBR2 (gamma-aminobutyric acid type B receptor subunit 2; minus strand). Cytogenetic location: 9q22.33.
Variant type: single nucleotide variant.
Coding change: c.2119G>A on transcript NM_005458.8 (MANE Select); coding-DNA position 2119, G replaced by A.
Protein change: p.Ala707Thr; replaces alanine 707 with threonine.
Molecular consequence: missense variant.
Genome position (GRCh38, 1-based): chr9:98,306,231, C>T on the plus strand (G>A on the coding strand, the complement: GABBR2 is on the minus strand). VCF-style: chr9-98306231-C-T. GRCh37 (hg19) VCF-style: chr9-101068513-C-T.
Other names: short protein forms A707T.
Identifiers: ClinVar variation 496592 (VCV000496592.4), dbSNP rs1554689313, ClinGen allele CA374199608.
Genomic context (GRCh38, chr9:98,306,231, plus strand): 5'-CCAGAGCCACGATGCAGAACTGCACATTGGGCTGGTCCCGGGTCAGGAAGGAGACAGCGG[C>T]CCCGATGATGCACATGATCCCCACGTTGTAGACACTCATCCCGATGTACTTGCTGTCGTT-3'
Protein context (NP_005449.5, residues 697-717): YNVGIMCIIG[Ala707Thr]AVSFLTRDQP

ClinVar aggregate classification (germline): Pathogenic/Likely pathogenic. Review status: criteria provided, multiple submitters, no conflicts (2 of 4 stars). 3 submissions from 3 submitters: Pathogenic (1); Likely pathogenic (1). 1 of the submissions does not count toward it. Last evaluated 2024-11-29.

Conditions:
Developmental and epileptic encephalopathy, 59. Also called: Early infantile epileptic encephalopathy 59. Identifiers: MedGen C4693550, MONDO:0033368, OMIM 617904.
Neurodevelopmental disorder with poor language and loss of hand skills. Identifiers: MedGen C4693546, MONDO:0060659, OMIM 617903.

Submissions (3):

Victorian Clinical Genetics Services, Murdoch Childrens Research Institute
Classification: Pathogenic for Neurodevelopmental disorder with poor language and loss of hand skills. Last evaluated: 2024-11-29. Review status: criteria provided, single submitter. Criteria: ACMG Guidelines, 2015. Collection method: clinical testing. Allele origin: germline. Affected: yes.
Comment: This variant is classified as Pathogenic. Evidence in support of pathogenic classification: Variant is absent from gnomAD (v2, v3 and v4); This variant has strong previous evidence of pathogenicity in unrelated individuals. This variant has been classified as likely pathogenic by a diagnostic laboratory in ClinVar, and reported in the literature as de novo in two affected individuals (PMID: 29369404, 34008892); This variant has moderate functional evidence supporting abnormal protein function. An in vitro study has shown that the (p.(Ala707Thr)) variant has a basal activity stronger than the wildtype (PMID: 29369404); Variant is located in the well-established functional transmembrane 6 domain (DECIPHER, PMID: 29369404); Missense variant consistently predicted to be damaging by an in silico tool or highly conserved with a major amino acid change. Additional information: Variant is predicted to result in a missense amino acid change from alanine to threonine; This variant is heterozygous; This gene is associated with autosomal dominant disease; No comparable missense variants have previous evidence for pathogenicity; The mechanism of disease for this gene is not clearly established. However, gain-of-function is the suggested mechanism. The basal activity levels in mutant proteins may explain the reduction in activation in the presence of ligand (PMID: 29369404, 28856709); Inheritance information for this variant is not currently available in this individual.

Laboratory of Medical Genetics, National & Kapodistrian University of Athens
Classification: Likely pathogenic for Developmental and epileptic encephalopathy, 59. Last evaluated: 2021-10-01. Review status: criteria provided, single submitter. Criteria: ACMG Guidelines, 2015. Collection method: clinical testing. Allele origin: unknown. Affected: yes.
Comment: PM2, PM6, PP3, PP4, PP5

OMIM
Classification: Pathogenic for NEURODEVELOPMENTAL DISORDER WITH POOR LANGUAGE AND LOSS OF HAND SKILLS. Last evaluated: 2018-03-15. Review status: no assertion criteria provided. Collection method: literature only. Allele origin: germline. Not counted in ClinVar's aggregate classification.

Literature cited by the submitters: PubMed 34008892 (cited by Victorian Clinical Genetics Services, Murdoch Childrens Research Institute and Laboratory of Medical Genetics, National & Kapodistrian University of Athens); PubMed 28856709 (cited by Victorian Clinical Genetics Services, Murdoch Childrens Research Institute); PubMed 29369404 (cited by Victorian Clinical Genetics Services, Murdoch Childrens Research Institute and OMIM).